The following is an entry in ClinVar:

ClinVar aggregate classification (germline): Pathogenic (1 of 4 stars; one submission).

Submission:

Labcorp Genetics (formerly Invitae), Labcorp
Classification: Pathogenic. Last evaluated: 2023-11-28. Review status: criteria provided, single submitter. Criteria: Invitae Variant Classification Sherloc (09022015). Collection method: clinical testing. Allele origin: germline.
Comment: This sequence change creates a premature translational stop signal (p.Leu2008*) in the ZNF469 gene. While this is not anticipated to result in nonsense mediated decay, it is expected to disrupt the last 1918 amino acid(s) of the ZNF469 protein. This variant is not present in population databases (gnomAD no frequency). This variant has not been reported in the literature in individuals affected with ZNF469-related conditions. This variant disrupts a region of the ZNF469 protein in which other variant(s) (p.Pro3556Glnfs*136) have been determined to be pathogenic (PMID: 32671420). This suggests that this is a clinically significant region of the protein, and that variants that disrupt it are likely to be disease-causing. For these reasons, this variant has been classified as Pathogenic.

Literature cited by the submitters: PubMed 32671420.

NM_001367624.2(ZNF469):c.6106del (p.Leu2035_Leu2036insTer)

Gene: ZNF469 (zinc finger protein 469; plus strand). Cytogenetic location: 16q24.2.
Variant type: Deletion.
Coding change: c.6106del on transcript NM_001367624.2 (MANE Select); coding-DNA position 6106, one base deleted (C; older notation c.6106delC).
Protein change: p.Leu2035_Leu2036insTer.
Molecular consequence: nonsense.
Genome position (GRCh38, 1-based): chr16:88,433,576, C deleted. VCF-style (leftmost placement, unchanged base first): chr16-88433575-GC-G. GRCh37 (hg19) VCF-style: chr16-88499983-GC-G.
Identifiers: ClinVar variation 2699639 (VCV002699639.3), dbSNP rs2507592471, ClinGen allele CA2697556044.
Genomic context (GRCh38, chr16:88,433,575, plus strand): 5'-CGCCTCAGTCAATGCCAGTCCCAAAACAGCGCTGACCGGCCCCACCGAGGGTGCAGTCCT[GC>G]TAGAGAAATGCAAGGGAAGCAGGGCAGCCATGAGCCTTCAGGAGGAGGCCGAGCCCACCC-3'